The following is an entry in ClinVar:

NM_001974.5(ADGRE1):c.1464G>A (p.Ser488=)

Gene: ADGRE1 (adhesion G protein-coupled receptor E1; plus strand). Cytogenetic location: 19p13.2.
Variant type: single nucleotide variant.
Coding change: c.1464G>A on transcript NM_001974.5 (MANE Select); coding-DNA position 1464, G replaced by A.
Protein change: p.Ser488=; no amino-acid change (serine 488 retained).
Molecular consequence: synonymous variant.
Genome position (GRCh38, 1-based): chr19:6,919,591, G>A. VCF-style: chr19-6919591-G-A. GRCh37 (hg19) VCF-style: chr19-6919602-G-A.
Other names: c.1308G>A, p.Ser436= (NM_001256252.2); c.1464G>A, p.Ser488= (NM_001256253.2); c.1041G>A, p.Ser347= (NM_001256254.2); c.933G>A, p.Ser311= (NM_001256255.2).
Identifiers: ClinVar variation 2649147 (VCV002649147.24), dbSNP rs537322666, ClinGen allele CA304826275.

ClinVar aggregate classification (germline): Likely benign (1 of 4 stars; one submission).

Allele frequency attached by ClinVar (database versions not stated): gnomAD exomes below 0.00001; gnomAD 0.00001; TOPMed 0.00001.
gnomAD v4.1: 5 of 1,613,058 alleles (0.00031%); highest among the groups gnomAD compares: Admixed American, 0.0033%; no homozygotes.

Submission:

CeGaT Center for Human Genetics Tuebingen
Classification: Likely benign. Last evaluated: 2022-05-01. Review status: criteria provided, single submitter. Criteria: CeGaT Center For Human Genetics Tuebingen Variant Classification Criteria Version 2. Collection method: clinical testing. Allele origin: germline. Affected: yes. Observed: 1 variant allele.
Comment: ADGRE1: BP4, BP7